The following is an entry in ClinVar:

NM_000124.4(ERCC6):c.1171dup (p.Ala391fs)

Genes: ERCC6 (ERCC excision repair 6, chromatin remodeling factor; minus strand), PGBD3 (piggyBac transposable element derived 3; minus strand). Cytogenetic location: 10q11.23.
Variant type: Duplication.
Coding change: c.1171dup on transcript NM_000124.4 (MANE Select); coding-DNA position 1171, one base duplicated (G; older notation c.1171dupG).
Protein change: p.Ala391fs; shifts the reading frame from alanine 391.
Molecular consequence: frameshift variant. On other transcripts: 5 prime UTR variant (1).
Genome position (GRCh38, 1-based): chr10:49,524,259, C duplicated on the plus strand (G on the coding strand, the reverse complement: ERCC6 is on the minus strand); the first of 5 consecutive C bases (chr10:49,524,259-49,524,263); duplicating any one gives the same sequence. VCF-style (leftmost placement, unchanged base first): chr10-49524258-G-GC. GRCh37 (hg19) VCF-style: chr10-50732304-G-GC.
Other names: c.1171dup, p.Ala391fs (NM_001277058.2, NM_001277059.2, NM_001346440.2); c.-234dup (NM_170753.3); short protein forms A391fs.
Identifiers: ClinVar variation 5012203 (VCV005012203.1).

ClinVar aggregate classification (germline): Pathogenic (1 of 4 stars; one submission).

Conditions:
Cockayne spectrum with or without cerebrooculofacioskeletal syndrome. Identifiers: MedGen CN315928, MONDO:0100506.

Submission:

Myriad Genetics, Inc.
Classification: Pathogenic for Cockayne spectrum with or without cerebrooculofacioskeletal syndrome. Last evaluated: 2023-09-27. Review status: criteria provided, single submitter. Criteria: Myriad Autosomal Dominant, Autosomal Recessive and X-Linked Classification Criteria (2023). Collection method: clinical testing. Allele origin: unknown.
Comment: NM_000124.2(ERCC6):c.1171dupG(A391Gfs*11) is expected to be pathogenic in the context of ERCC6-related disorders. This variant is predicted to lead to an abnormal or absent protein product due to the creation of a premature termination codon in ERCC6, a gene where loss-of-function variants are known to be pathogenic. Please note: this variant was assessed in the context of healthy population screening.